The following is an entry in ClinVar:

NM_001127453.2(GSDME):c.577-20G>A

Gene: GSDME (gasdermin E; minus strand). Cytogenetic location: 7p15.3.
Variant type: single nucleotide variant.
Coding change: c.577-20G>A on transcript NM_001127453.2 (MANE Select); 20 bases into the intron before coding-DNA position 577, G replaced by A.
Molecular consequence: intron variant.
Genome position (GRCh38, 1-based): chr7:24,717,394, C>T on the plus strand (G>A on the coding strand, the complement: GSDME is on the minus strand). VCF-style: chr7-24717394-C-T. GRCh37 (hg19) VCF-style: chr7-24757013-C-T.
Other names: c.85-20G>A (NM_001127454.2, NM_001438059.1); c.577-20G>A (NM_004403.3).
Identifiers: ClinVar variation 4702615 (VCV004702615.2).

ClinVar aggregate classification (germline): Likely benign. Review status: criteria provided, multiple submitters, no conflicts (2 of 4 stars). 2 submissions from 2 submitters: Likely benign (2). Last evaluated 2026-02-25.

gnomAD v4.1: 6 of 1,614,174 alleles (0.00037%); highest among the groups gnomAD compares: Non-Finnish European, 0.00042%; no homozygotes.

Submissions (2):

Women's Health and Genetics/Laboratory Corporation of America, LabCorp
Classification: Likely benign. Last evaluated: 2026-02-25. Review status: criteria provided, single submitter. Criteria: LabCorp Variant Classification Summary - May 2015. Collection method: clinical testing. Allele origin: germline.
Comment: Variant summary: GSDME c.577-20G>A alters a nucleotide located at a position not widely known to affect splicing. Consensus agreement among computation tools predict no significant impact on normal splicing. However, these predictions have yet to be confirmed by functional studies. The variant allele was found at a frequency of 8e-06 in 250836 control chromosomes. The available data on variant occurrences in the general population are insufficient to allow any conclusion about variant significance. To our knowledge, no occurrence of c.577-20G>A in individuals affected with GSDME-related conditions and no experimental evidence demonstrating its impact on protein function have been reported. ClinVar contains an entry for this variant (Variation ID: 4702615). Based on the evidence outlined above, the variant was classified as likely benign.

Labcorp Genetics (formerly Invitae), Labcorp
Classification: Likely benign. Last evaluated: 2025-10-16. Review status: criteria provided, single submitter. Criteria: Invitae Variant Classification Sherloc (09022015). Collection method: clinical testing. Allele origin: germline.